The following is an entry in ClinVar:

ClinVar aggregate classification (germline): Uncertain significance (1 of 4 stars; one submission).

Conditions:
Familial sleep-related hypermotor epilepsy. Also called: Autosomal Dominant Sleep-Related Hypermotor (Hyperkinetic) Epilepsy. Identifiers: Orphanet 98784, MedGen C3696898, MONDO:0000030.

Allele frequency attached by ClinVar (database versions not stated): gnomAD exomes below 0.00001; gnomAD 0.00001; ExAC 0.00002.
gnomAD v4.1: 8 of 1,614,034 alleles (0.0005%); highest among the groups gnomAD compares: South Asian, 0.0011%; no homozygotes.

Submission:

Labcorp Genetics (formerly Invitae), Labcorp
Classification: Uncertain significance. Last evaluated: 2020-03-23. Review status: criteria provided, single submitter. Criteria: Invitae Variant Classification Sherloc (09022015). Collection method: clinical testing. Allele origin: germline.
Comment: This sequence change replaces alanine with valine at codon 207 of the CHRNB2 protein (p.Ala207Val). The alanine residue is moderately conserved and there is a small physicochemical difference between alanine and valine. This variant is present in population databases (rs201622476, ExAC 0.02%). In summary, the available evidence is currently insufficient to determine the role of this variant in disease. Therefore, it has been classified as a Variant of Uncertain Significance. Algorithms developed to predict the effect of missense changes on protein structure and function are either unavailable or do not agree on the potential impact of this missense change (SIFT: "Tolerated"; PolyPhen-2: "Possibly Damaging"; Align-GVGD: "Class C0"). This variant has not been reported in the literature in individuals with CHRNB2-related conditions.

NM_000748.3(CHRNB2):c.620C>T (p.Ala207Val)

Gene: CHRNB2 (cholinergic receptor nicotinic beta 2 subunit; plus strand). Cytogenetic location: 1q21.3.
Variant type: single nucleotide variant.
Coding change: c.620C>T on transcript NM_000748.3 (MANE Select); coding-DNA position 620, C replaced by T.
Protein change: p.Ala207Val; replaces alanine 207 with valine.
Molecular consequence: missense variant.
Genome position (GRCh38, 1-based): chr1:154,571,443, C>T. VCF-style: chr1-154571443-C-T. GRCh37 (hg19) VCF-style: chr1-154543919-C-T.
Other names: short protein forms A207V.
Identifiers: ClinVar variation 960613 (VCV000960613.9), dbSNP rs201622476, ClinGen allele CA1130751.
Genomic context (GRCh38, chr1:154,571,443, plus strand): 5'-TGAAGAGTGAGGTGGCCAGCCTGGACGACTTCACACCTAGTGGTGAGTGGGACATCGTGG[C>T]GCTGCCGGGCCGGCGCAACGAGAACCCCGACGACTCTACGTACGTGGACATCACGTATGA-3'
Protein context (NP_000739.1, residues 197-217): FTPSGEWDIV[Ala207Val]LPGRRNENPD